The following is an entry in ClinVar:

NM_003579.4(RAD54L):c.829A>T (p.Thr277Ser)

Gene: RAD54L (RAD54 like; plus strand). Cytogenetic location: 1p34.1.
Variant type: single nucleotide variant.
Coding change: c.829A>T on transcript NM_003579.4 (MANE Select); coding-DNA position 829, A replaced by T.
Protein change: p.Thr277Ser; replaces threonine 277 with serine.
Molecular consequence: missense variant.
Genome position (GRCh38, 1-based): chr1:46,261,323, A>T. VCF-style: chr1-46261323-A-T. GRCh37 (hg19) VCF-style: chr1-46726995-A-T.
Other names: c.829A>T, p.Thr277Ser (NM_001142548.2); c.289A>T, p.Thr97Ser (NM_001370766.1); short protein forms T277S, T97S.
Identifiers: ClinVar variation 2447801 (VCV002447801.2), dbSNP rs2525672624, ClinGen allele CA340188979.

ClinVar aggregate classification (germline): Uncertain significance (1 of 4 stars; one submission).

Submission:

Ambry Genetics
Classification: Uncertain significance. Last evaluated: 2022-12-29. Review status: criteria provided, single submitter. Criteria: Ambry Variant Classification Scheme 2023. Collection method: clinical testing. Allele origin: germline.
Comment: The p.T277S variant (also known as c.829A>T), located in coding exon 8 of the RAD54L gene, results from an A to T substitution at nucleotide position 829. The threonine at codon 277 is replaced by serine, an amino acid with similar properties. This amino acid position is conserved. In addition, the in silico prediction for this alteration is inconclusive. Since supporting evidence is limited at this time, the clinical significance of this alteration remains unclear.